The following is an entry in ClinVar:

ClinVar aggregate classification (germline): Pathogenic (1 of 4 stars; one submission).

Conditions:
Hereditary nonpolyposis colorectal neoplasms. Identifiers: MedGen C0009405, MeSH D003123.

Submission:

Labcorp Genetics (formerly Invitae), Labcorp
Classification: Pathogenic for Hereditary nonpolyposis colorectal neoplasms. Last evaluated: 2022-07-22. Review status: criteria provided, single submitter. Criteria: Invitae Variant Classification Sherloc (09022015). Collection method: clinical testing. Allele origin: germline.
Comment: This variant is not present in population databases (gnomAD no frequency). This sequence change creates a premature translational stop signal (p.Val1232Lysfs*7) in the MSH6 gene. It is expected to result in an absent or disrupted protein product. Loss-of-function variants in MSH6 are known to be pathogenic (PMID: 18269114, 24362816). This variant has not been reported in the literature in individuals affected with MSH6-related conditions. For these reasons, this variant has been classified as Pathogenic.

Literature cited by the submitters: PubMed 18269114; PubMed 24362816.

NM_000179.3(MSH6):c.3693_3696del (p.Val1232fs)

Gene: MSH6 (mutS homolog 6; plus strand). Cytogenetic location: 2p16.3.
Variant type: Deletion.
Coding change: c.3693_3696del on transcript NM_000179.3 (MANE Select); coding-DNA positions 3693 to 3696, 4 bases deleted (TGTT; older notation c.3693_3696delTGTT).
Protein change: p.Val1232fs; shifts the reading frame from valine 1232.
Molecular consequence: frameshift variant.
Genome position (GRCh38, 1-based): chr2:47,806,250-47,806,253, TGTT deleted; deleting any 4 consecutive bases within chr2:47,806,249-47,806,253 gives the same sequence; the c. name uses the placement nearest the transcript's 3' end. VCF-style (leftmost placement, unchanged base first): chr2-47806248-GTTGT-G. GRCh37 (hg19) VCF-style: chr2-48033387-GTTGT-G.
Other names: c.3303_3306del, p.Val1102fs (NM_001281492.2); c.2787_2790del, p.Val930fs (NM_001281493.2, NM_001281494.2); c.3789_3792delTGTT, p.Val1264Lysfs (NM_001406795.1, NM_001406802.1); c.3693_3696delTGTT, p.Val1232Lysfs (NM_001406796.1, NM_001406800.1, NM_001406808.1 and 1 more transcripts); c.3396_3399delTGTT, p.Val1133Lysfs (NM_001406797.1, NM_001406801.1, NM_001406805.1 and 10 more transcripts); c.3519_3522delTGTT, p.Val1174Lysfs (NM_001406798.1); c.3168_3171delTGTT, p.Val1057Lysfs (NM_001406799.1, NM_001406806.1, NM_001406807.1); c.2829_2832delTGTT, p.Val944Lysfs (NM_001406803.1); and 8 more; short protein forms V1102fs, V1232fs, V930fs.
Identifiers: ClinVar variation 2018875 (VCV002018875.4), dbSNP rs2530839880, ClinGen allele CA2580067283.